The following is an entry in ClinVar:

NM_198506.5(LRIT3):c.529A>G (p.Thr177Ala)

Gene: LRIT3 (leucine rich repeat, Ig-like and transmembrane domains 3; plus strand). Cytogenetic location: 4q25.
Variant type: single nucleotide variant.
Coding change: c.529A>G on transcript NM_198506.5 (MANE Select); coding-DNA position 529, A replaced by G.
Protein change: p.Thr177Ala; replaces threonine 177 with alanine.
Molecular consequence: missense variant.
Genome position (GRCh38, 1-based): chr4:109,851,916, A>G. VCF-style: chr4-109851916-A-G. GRCh37 (hg19) VCF-style: chr4-110773072-A-G.
Other names: c.529A>G (NM_198506.4); c.394A>G (NM_198506.2); short protein forms T177A.
Identifiers: ClinVar variation 1085554 (VCV001085554.12), dbSNP rs139822530, ClinGen allele CA3042996.

ClinVar aggregate classification (germline): Conflicting classifications of pathogenicity. Review status: criteria provided, conflicting classifications (1 of 4 stars). 5 submissions from 5 submitters: Uncertain significance (1); Benign (1); Likely benign (2). 1 of the submissions does not count toward it. Last evaluated 2025-08-16.

Conditions:
LRIT3-related disorder. Also called: LRIT3-related condition.
Inborn genetic diseases. Identifiers: MedGen C0950123, MeSH D030342.

Allele frequency attached by ClinVar (database versions not stated): gnomAD exomes 0.00007 and 0.00013; gnomAD 0.00064 and 0.00071; 1000 Genomes Project 30x 0.00094; 1000 Genomes Project 0.00100; ESP Exome Variant Server 0.00022; ExAC 0.00028; TOPMed 0.00059.
gnomAD v4.1: 211 of 1,551,554 alleles (0.014%); highest among the groups gnomAD compares: African/African-American, 0.24%; 1 homozygote.

Submissions (5):

Labcorp Genetics (formerly Invitae), Labcorp
Classification: Likely benign. Last evaluated: 2025-08-16. Review status: criteria provided, single submitter. Criteria: Invitae Variant Classification Sherloc (09022015). Collection method: clinical testing. Allele origin: germline.

Ambry Genetics
Classification: Uncertain significance for Inborn genetic diseases. Last evaluated: 2025-02-20. Review status: criteria provided, single submitter. Criteria: Ambry Variant Classification Scheme 2023. Collection method: clinical testing. Allele origin: germline.

Blueprint Genetics
Classification: Benign. Last evaluated: 2024-11-05. Review status: criteria provided, single submitter. Criteria: ACMG Guidelines, 2015. Collection method: clinical testing. Allele origin: germline.

Breakthrough Genomics
Classification: Likely benign. Review status: criteria provided, single submitter. Criteria: ACMG Guidelines, 2015. Collection method: not provided. Allele origin: germline. Inheritance: Autosomal recessive inheritance. Affected: yes.

PreventionGenetics, part of Exact Sciences
Classification: Likely benign for LRIT3-related condition. Last evaluated: 2024-01-10. Review status: no assertion criteria provided. Collection method: clinical testing. Allele origin: germline. Not counted in ClinVar's aggregate classification.
Comment: This variant is classified as likely benign based on ACMG/AMP sequence variant interpretation guidelines (Richards et al. 2015 PMID: 25741868, with internal and published modifications).